The following is an entry in ClinVar:

ClinVar aggregate classification (germline): Uncertain significance (1 of 4 stars; one submission).

Conditions:
Blau syndrome (BLAUS). Also called: ARTHROCUTANEOUVEAL GRANULOMATOSIS; GRANULOMATOSIS, FAMILIAL JUVENILE SYSTEMIC; GRANULOMATOSIS, FAMILIAL, BLAU TYPE; GRANULOMATOUS INFLAMMATORY ARTHRITIS, DERMATITIS, AND UVEITIS, FAMILIAL; JABS SYNDROME. Identifiers: Orphanet 90340, MedGen C5201146, MONDO:0008523, OMIM 186580.
Regional enteritis. Also called: Enteritis, Granulomatous. Identifiers: MedGen C0678202, MeSH D003424.

Allele frequency attached by ClinVar (database versions not stated): gnomAD 0.00001; TOPMed 0.00001.

Submission:

Labcorp Genetics (formerly Invitae), Labcorp
Classification: Uncertain significance for Regional enteritis; Blau syndrome. Last evaluated: 2022-09-01. Review status: criteria provided, single submitter. Criteria: Invitae Variant Classification Sherloc (09022015). Collection method: clinical testing. Allele origin: germline.
Comment: This sequence change replaces alanine, which is neutral and non-polar, with threonine, which is neutral and polar, at codon 525 of the NOD2 protein (p.Ala525Thr). In summary, the available evidence is currently insufficient to determine the role of this variant in disease. Therefore, it has been classified as a Variant of Uncertain Significance. Advanced modeling of protein sequence and biophysical properties (such as structural, functional, and spatial information, amino acid conservation, physicochemical variation, residue mobility, and thermodynamic stability) performed at Invitae indicates that this missense variant is not expected to disrupt NOD2 protein function. ClinVar contains an entry for this variant (Variation ID: 579306). This variant has not been reported in the literature in individuals affected with NOD2-related conditions. This variant is present in population databases (no rsID available, gnomAD 0.01%).

NM_001370466.1(NOD2):c.1492G>A (p.Ala498Thr)

Gene: NOD2 (nucleotide binding oligomerization domain containing 2; plus strand). Cytogenetic location: 16q12.1.
Variant type: single nucleotide variant.
Coding change: c.1492G>A on transcript NM_001370466.1 (MANE Select); coding-DNA position 1492, G replaced by A.
Protein change: p.Ala498Thr; replaces alanine 498 with threonine.
Molecular consequence: missense variant. On other transcripts: non-coding transcript variant (1).
Genome position (GRCh38, 1-based): chr16:50,711,484, G>A. VCF-style: chr16-50711484-G-A. GRCh37 (hg19) VCF-style: chr16-50745395-G-A.
Other names: c.1492G>A, p.Ala498Thr (NM_001293557.2); c.1573G>A, p.Ala525Thr (NM_022162.3); short protein forms A525T, A498T.
Identifiers: ClinVar variation 579306 (VCV000579306.9), dbSNP rs1283801598, ClinGen allele CA395869201.
Genomic context (GRCh38, chr16:50,711,484, plus strand): 5'-GGGTCCCCAAAGACCACTACAGATATGTACCTGCTGATTCTGCAGCATTTTCTGCTGCAT[G>A]CCACCCCCCCAGACTCAGCTTCCCAAGGTCTGGGACCCAGTCTTCTTCGGGGCCGCCTCC-3'
Protein context (NP_001357395.1, residues 488-508): LLILQHFLLH[Ala498Thr]TPPDSASQGL